The following is an entry in ClinVar:

ClinVar aggregate classification (germline): Uncertain significance (1 of 4 stars; one submission).

Conditions:
Dyskeratosis congenita, autosomal recessive 6 (DKCB6). Identifiers: MedGen C4225356, MONDO:0014600, OMIM 616353.
Pulmonary fibrosis and/or bone marrow failure, Telomere-related, 4. Also called: PULMONARY FIBROSIS AND/OR BONE MARROW FAILURE SYNDROME, TELOMERE-RELATED, 4. Identifiers: Orphanet 2032, MedGen C4225347, MONDO:0014612, OMIM 616371.

Allele frequency attached by ClinVar (database versions not stated): ExAC 0.00001; gnomAD 0.00001; gnomAD exomes 0.00002; TOPMed 0.00002.
gnomAD v4.1: 27 of 1,600,452 alleles (0.0017%); highest among the groups gnomAD compares: Non-Finnish European, 0.0023%; no homozygotes.

Submission:

Labcorp Genetics (formerly Invitae), Labcorp
Classification: Uncertain significance for Dyskeratosis congenita, autosomal recessive 6; Pulmonary fibrosis and/or bone marrow failure, Telomere-related, 4. Last evaluated: 2024-12-23. Review status: criteria provided, single submitter. Criteria: Invitae Variant Classification Sherloc (09022015). Collection method: clinical testing. Allele origin: germline.
Comment: This sequence change replaces serine, which is neutral and polar, with alanine, which is neutral and non-polar, at codon 87 of the PARN protein (p.Ser87Ala). This variant is present in population databases (rs754319643, gnomAD 0.002%). This variant has not been reported in the literature in individuals affected with PARN-related conditions. ClinVar contains an entry for this variant (Variation ID: 2924434). Invitae Evidence Modeling of protein sequence and biophysical properties (such as structural, functional, and spatial information, amino acid conservation, physicochemical variation, residue mobility, and thermodynamic stability) indicates that this missense variant is not expected to disrupt PARN protein function with a negative predictive value of 80%. In summary, the available evidence is currently insufficient to determine the role of this variant in disease. Therefore, it has been classified as a Variant of Uncertain Significance.

NM_002582.4(PARN):c.259T>G (p.Ser87Ala)

Gene: PARN (poly(A)-specific ribonuclease; minus strand). Cytogenetic location: 16p13.12.
Variant type: single nucleotide variant.
Coding change: c.259T>G on transcript NM_002582.4 (MANE Select); coding-DNA position 259, T replaced by G.
Protein change: p.Ser87Ala; replaces serine 87 with alanine.
Molecular consequence: missense variant. On other transcripts: intron variant (1).
Genome position (GRCh38, 1-based): chr16:14,627,174, A>C on the plus strand (T>G on the coding strand, the complement: PARN is on the minus strand). VCF-style: chr16-14627174-A-C. GRCh37 (hg19) VCF-style: chr16-14721031-A-C.
Other names: c.76T>G, p.Ser26Ala (NM_001134477.3); c.159-38T>G (NM_001242992.2); short protein forms S26A, S87A.
Identifiers: ClinVar variation 2924434 (VCV002924434.3), dbSNP rs754319643, ClinGen allele CA7912473.